The following is an entry in ClinVar:

NM_013336.4(SEC61A1):c.1166A>C (p.Asp389Ala)

Genes: RUVBL1 (RuvB like AAA ATPase 1; minus strand), SEC61A1 (SEC61 translocon subunit alpha 1; plus strand). Cytogenetic location: 3q21.3.
Variant type: single nucleotide variant.
Coding change: c.1166A>C on transcript NM_013336.4 (MANE Select); coding-DNA position 1166, A replaced by C.
Protein change: p.Asp389Ala; replaces aspartic acid 389 with alanine.
Molecular consequence: missense variant. On other transcripts: intron variant (1).
Genome position (GRCh38, 1-based): chr3:128,067,611, A>C. VCF-style: chr3-128067611-A-C. GRCh37 (hg19) VCF-style: chr3-127786454-A-C.
Other names: c.1184A>C, p.Asp395Ala (NM_001400328.1); c.1007A>C, p.Asp336Ala (NM_001400329.1); c.940-2391T>G (NM_001319086.1); short protein forms D336A, D389A, D395A.
Identifiers: ClinVar variation 3347795 (VCV003347795.1).
Genomic context (GRCh38, chr3:128,067,611, plus strand): 5'-TGGGCTCCTGTGCATTCTTCTCCAAAACGTGGATTGAGGTCTCAGGTTCCTCTGCCAAAG[A>C]TGTAAGTAGAAGCAAAACTTTCTGGAAGGGTGATGAAAGTGTGACTGGTATAAGGGGTGT-3'
Protein context (NP_037468.1, residues 379-399): WIEVSGSSAK[Asp389Ala]VAKQLKEQQM

ClinVar aggregate classification (germline): Uncertain significance (0 of 4 stars; one submission).

Conditions:
SEC61A1-related disorder. Also called: SEC61A1-related condition.

Submission:

PreventionGenetics, part of Exact Sciences
Classification: Uncertain significance for SEC61A1-related condition. Last evaluated: 2024-04-12. Review status: no assertion criteria provided. Collection method: clinical testing. Allele origin: germline.
Comment: The SEC61A1 c.1166A>C variant is predicted to result in the amino acid substitution p.Asp389Ala. To our knowledge, this variant has not been reported in the literature or in a large population database, indicating this variant is rare. At this time, the clinical significance of this variant is uncertain due to the absence of conclusive functional and genetic evidence.